The following is an entry in ClinVar:

ClinVar aggregate classification (germline): Uncertain significance (0 of 4 stars; one submission).

Conditions:
Autism (AUTS). Also called: Autistic disorder of childhood onset; Autistic disorder. Identifiers: MedGen C0004352, MeSH D001321, MONDO:0005260, OMIM 209850, HP:0000717.

Submission:

Centre for Addiction & Mental Health
Classification: Uncertain significance for Autism. Review status: no assertion criteria provided. Collection method: research. Allele origin: de novo. Affected: yes. Observed: 1 heterozygote. Segregation with disease not observed.
Comment: Gene not previously associated with disease; independent supporting evidence needed

NM_021181.5(SLAMF7):c.953C>A (p.Ser318Ter)

Gene: SLAMF7 (SLAM family member 7; plus strand). Cytogenetic location: 1q23.3.
Variant type: single nucleotide variant.
Coding change: c.953C>A on transcript NM_021181.5 (MANE Select); coding-DNA position 953, C replaced by A.
Protein change: p.Ser318Ter; replaces serine 318 with a stop codon.
Molecular consequence: nonsense. On other transcripts: synonymous variant (4).
Genome position (GRCh38, 1-based): chr1:160,753,122, C>A. VCF-style: chr1-160753122-C-A. GRCh37 (hg19) VCF-style: chr1-160722912-C-A.
Other names: c.456C>A, p.Leu152= (NM_001282588.2); c.560C>A, p.Ser187Ter (NM_001282589.2); c.632C>A, p.Ser211Ter (NM_001282590.2); c.512C>A, p.Ser171Ter (NM_001282591.2); c.849C>A, p.Leu283= (NM_001282592.2); c.408C>A, p.Leu136= (NM_001282593.2); c.671C>A, p.Ser224Ter (NM_001282594.2); c.551C>A, p.Ser184Ter (NM_001282595.1); and 1 more; short protein forms S171*, S184*, S187*, S211*, S224*, S318*.
Identifiers: ClinVar variation 3338221 (VCV003338221.2).